The following is an entry in ClinVar:

NM_004700.4(KCNQ4):c.1801G>T (p.Asp601Tyr)

Gene: KCNQ4 (potassium voltage-gated channel subfamily Q member 4; plus strand). Cytogenetic location: 1p34.2.
Variant type: single nucleotide variant.
Coding change: c.1801G>T on transcript NM_004700.4 (MANE Select); coding-DNA position 1801, G replaced by T.
Protein change: p.Asp601Tyr; replaces aspartic acid 601 with tyrosine.
Molecular consequence: missense variant.
Genome position (GRCh38, 1-based): chr1:40,837,720, G>T. VCF-style: chr1-40837720-G-T. GRCh37 (hg19) VCF-style: chr1-41303392-G-T.
Other names: c.1639G>T, p.Asp547Tyr (NM_172163.3); short protein forms D601Y, D547Y.
Identifiers: ClinVar variation 228772 (VCV000228772.4), dbSNP rs876657838, ClinGen allele CA10576427.

ClinVar aggregate classification (germline): Uncertain significance (1 of 4 stars; one submission).

Allele frequency attached by ClinVar (database versions not stated): TOPMed below 0.00001 and 0.00001.
gnomAD v4.1: 4 of 1,613,344 alleles (0.00025%); highest among the groups gnomAD compares: Non-Finnish European, 0.00025%; no homozygotes.

Submission:

Laboratory for Molecular Medicine, Mass General Brigham Personalized Medicine
Classification: Uncertain significance. Last evaluated: 2015-07-05. Review status: criteria provided, single submitter. Criteria: LMM Criteria. Collection method: clinical testing. Allele origin: germline. Observed: 2 variant alleles.
Comment: The p.Asp601Tyr variant in KCNQ4 has not been previously reported in individuals with hearing loss or in large population studies. Computational prediction tool s and conservation analysis do not provide strong support for or against an impa ct to the protein. In summary, the clinical significance of the p.Asp601Tyr vari ant is uncertain.